The following is an entry in ClinVar:

ClinVar aggregate classification (germline): Uncertain significance (1 of 4 stars; one submission).

Conditions:
MHC class I deficiency. Identifiers: Orphanet 34592, MedGen C6024714, MONDO:0011476.

Allele frequency attached by ClinVar (database versions not stated): gnomAD exomes below 0.00001; gnomAD 0.00002; TOPMed 0.00002.
gnomAD v4.1: 8 of 1,609,410 alleles (0.0005%); highest among the groups gnomAD compares: African/African-American, 0.008%; no homozygotes.

Submission:

Labcorp Genetics (formerly Invitae), Labcorp
Classification: Uncertain significance for MHC class I deficiency 1. Last evaluated: 2017-09-03. Review status: criteria provided, single submitter. Criteria: Invitae Variant Classification Sherloc (09022015). Collection method: clinical testing. Allele origin: germline.
Comment: In summary, the available evidence is currently insufficient to determine the role of this variant in disease. Therefore, it has been classified as a Variant of Uncertain Significance. Algorithms developed to predict the effect of missense changes on protein structure and function (SIFT, PolyPhen-2, Align-GVGD) all suggest that this variant is likely to be tolerated, but these predictions have not been confirmed by published functional studies and their clinical significance is uncertain. This variant has not been reported in the literature in individuals with TAP1-related disease. This variant is not present in population databases (ExAC no frequency). This sequence change replaces proline with arginine at codon 197 of the TAP1 protein (p.Pro197Arg). The proline residue is weakly conserved and there is a moderate physicochemical difference between proline and arginine.

NM_000593.6(TAP1):c.410C>G (p.Pro137Arg)

Gene: TAP1 (transporter 1, ATP binding cassette subfamily B member; minus strand). Cytogenetic location: 6p21.32.
Variant type: single nucleotide variant.
Coding change: c.410C>G on transcript NM_000593.6 (MANE Select); coding-DNA position 410, C replaced by G.
Protein change: p.Pro137Arg; replaces proline 137 with arginine.
Molecular consequence: missense variant.
Genome position (GRCh38, 1-based): chr6:32,853,227, G>C on the plus strand (C>G on the coding strand, the complement: TAP1 is on the minus strand). VCF-style: chr6-32853227-G-C. GRCh37 (hg19) VCF-style: chr6-32821004-G-C.
Other names: short protein forms P197R, P137R.
Identifiers: ClinVar variation 534705 (VCV000534705.8), dbSNP rs1010241068, ClinGen allele CA136998104.